The following is an entry in ClinVar:

ClinVar aggregate classification (germline): Uncertain significance (1 of 4 stars; one submission).

Allele frequency attached by ClinVar (database versions not stated): gnomAD 0.00001.
gnomAD v4.1: 1 of 1,610,820 alleles (0.000062%); highest among the groups gnomAD compares: Admixed American, 0.0017%; no homozygotes.

Submission:

Labcorp Genetics (formerly Invitae), Labcorp
Classification: Uncertain significance. Last evaluated: 2022-07-05. Review status: criteria provided, single submitter. Criteria: Invitae Variant Classification Sherloc (09022015). Collection method: clinical testing. Allele origin: germline.
Comment: This variant is not present in population databases (gnomAD no frequency). In summary, the available evidence is currently insufficient to determine the role of this variant in disease. Therefore, it has been classified as a Variant of Uncertain Significance. Advanced modeling of protein sequence and biophysical properties (such as structural, functional, and spatial information, amino acid conservation, physicochemical variation, residue mobility, and thermodynamic stability) performed at Invitae indicates that this missense variant is not expected to disrupt C5orf42 protein function. ClinVar contains an entry for this variant (Variation ID: 1042406). This variant has not been reported in the literature in individuals affected with C5orf42-related conditions. This sequence change replaces serine, which is neutral and polar, with cysteine, which is neutral and slightly polar, at codon 3190 of the C5orf42 protein (p.Ser3190Cys).

NM_001384732.1(CPLANE1):c.9731C>G (p.Ser3244Cys)

Gene: CPLANE1 (ciliogenesis and planar polarity effector complex subunit 1; minus strand). Cytogenetic location: 5p13.2.
Variant type: single nucleotide variant.
Coding change: c.9731C>G on transcript NM_001384732.1 (MANE Select); coding-DNA position 9731, C replaced by G.
Protein change: p.Ser3244Cys; replaces serine 3244 with cysteine.
Molecular consequence: missense variant.
Genome position (GRCh38, 1-based): chr5:37,107,627, G>C on the plus strand (C>G on the coding strand, the complement: CPLANE1 is on the minus strand). VCF-style: chr5-37107627-G-C. GRCh37 (hg19) VCF-style: chr5-37107729-G-C.
Other names: c.9569C>G, p.Ser3190Cys (NM_023073.4); short protein forms S3190C, S3244C.
Identifiers: ClinVar variation 1042406 (VCV001042406.8), dbSNP rs781448726, ClinGen allele CA117046548.